The following is an entry in ClinVar:

NM_020778.5(ALPK3):c.-15G>A

Gene: ALPK3 (alpha kinase 3; plus strand). Cytogenetic location: 15q25.3.
Variant type: single nucleotide variant.
Coding change: c.-15G>A on transcript NM_020778.5 (MANE Select); 15 bases upstream of the start codon, G replaced by A.
Molecular consequence: 5 prime UTR variant.
Genome position (GRCh38, 1-based): chr15:84,817,438, G>A. VCF-style: chr15-84817438-G-A. GRCh37 (hg19) VCF-style: chr15-85360669-G-A.
Identifiers: ClinVar variation 1942299 (VCV001942299.5), dbSNP rs1421277949, ClinGen allele CA393369227.

ClinVar aggregate classification (germline): Uncertain significance (1 of 4 stars; one submission).

Allele frequency attached by ClinVar (database versions not stated): gnomAD exomes 0.00001; TOPMed 0.00001.
gnomAD v4.1: 2 of 1,269,730 alleles (0.00016%); highest among the groups gnomAD compares: East Asian, 0.0033%; no homozygotes.

Submission:

Labcorp Genetics (formerly Invitae), Labcorp
Classification: Uncertain significance. Last evaluated: 2025-12-13. Review status: criteria provided, single submitter. Criteria: Invitae Variant Classification Sherloc (09022015). Collection method: clinical testing. Allele origin: germline.
Comment: This sequence change replaces glycine, which is neutral and non-polar, with arginine, which is basic and polar, at codon 198 of the ALPK3 protein (p.Gly198Arg). This variant is not present in population databases (gnomAD no frequency). This variant has not been reported in the literature in individuals affected with ALPK3-related conditions. ClinVar contains an entry for this variant (Variation ID: 1942299). An algorithm developed to predict the effect of missense changes on protein structure and function (PolyPhen-2) suggests that this variant is likely to be tolerated. In summary, the available evidence is currently insufficient to determine the role of this variant in disease. Therefore, it has been classified as a Variant of Uncertain Significance.